The following is an entry in ClinVar:

ClinVar aggregate classification (germline): Uncertain significance. Review status: criteria provided, multiple submitters, no conflicts (2 of 4 stars). 2 submissions from 2 submitters: Uncertain significance (2). Last evaluated 2025-07-02.

Conditions:
Hypertrophic cardiomyopathy 26. Also called: Cardiomyopathy, familial hypertrophic, 26. Identifiers: Orphanet 75249, MedGen C4310749, MONDO:0014883, OMIM 617047.
Distal myopathy with posterior leg and anterior hand involvement. Also called: WILLIAMS DISTAL MYOPATHY. Identifiers: Orphanet 63273, MedGen C3279722, MONDO:0013550, OMIM 614065.
Myofibrillar myopathy 5. Also called: FILAMINOPATHY, AUTOSOMAL DOMINANT; Filaminopathy (type). Identifiers: Orphanet 171445, MedGen C1836050, MONDO:0012289, OMIM 609524.

Allele frequency attached by ClinVar (database versions not stated): gnomAD exomes below 0.00001 and 0.00001; TOPMed below 0.00001.
gnomAD v4.1: 2 of 1,572,410 alleles (0.00013%); highest among the groups gnomAD compares: East Asian, 0.0023%; no homozygotes.

Submissions (2):

Labcorp Genetics (formerly Invitae), Labcorp
Classification: Uncertain significance for Distal myopathy with posterior leg and anterior hand involvement; Myofibrillar myopathy 5; Hypertrophic cardiomyopathy 26. Last evaluated: 2025-07-02. Review status: criteria provided, single submitter. Criteria: Invitae Variant Classification Sherloc (09022015). Collection method: clinical testing. Allele origin: germline.
Comment: This sequence change replaces proline, which is neutral and non-polar, with serine, which is neutral and polar, at codon 1748 of the FLNC protein (p.Pro1748Ser). The frequency data for this variant in the population databases is considered unreliable, as metrics indicate poor data quality at this position in the gnomAD database. This variant has not been reported in the literature in individuals affected with FLNC-related conditions. ClinVar contains an entry for this variant (Variation ID: 1035946). An algorithm developed to predict the effect of missense changes on protein structure and function (PolyPhen-2) suggests that this variant is likely to be tolerated. In summary, the available evidence is currently insufficient to determine the role of this variant in disease. Therefore, it has been classified as a Variant of Uncertain Significance.

Fulgent Genetics
Classification: Uncertain significance for Myofibrillar myopathy 5; Distal myopathy with posterior leg and anterior hand involvement; Hypertrophic cardiomyopathy 26. Last evaluated: 2021-08-03. Review status: criteria provided, single submitter. Criteria: ACMG Guidelines, 2015. Collection method: clinical testing. Allele origin: unknown.

NM_001458.5(FLNC):c.5242C>T (p.Pro1748Ser)

Gene: FLNC (filamin C; plus strand). Cytogenetic location: 7q32.1.
Variant type: single nucleotide variant.
Coding change: c.5242C>T on transcript NM_001458.5 (MANE Select); coding-DNA position 5242, C replaced by T.
Protein change: p.Pro1748Ser; replaces proline 1748 with serine.
Molecular consequence: missense variant. On other transcripts: intron variant (1).
Genome position (GRCh38, 1-based): chr7:128,850,018, C>T. VCF-style: chr7-128850018-C-T. GRCh37 (hg19) VCF-style: chr7-128490072-C-T.
Other names: c.5200-366C>T (NM_001127487.2); short protein forms P1748S.
Identifiers: ClinVar variation 1035946 (VCV001035946.10), dbSNP rs1380018208, ClinGen allele CA369204607.